The following is an entry in ClinVar:

NM_001330260.2(SCN8A):c.5170G>T (p.Asp1724Tyr)

Gene: SCN8A (sodium voltage-gated channel alpha subunit 8; plus strand). Cytogenetic location: 12q13.13.
Variant type: single nucleotide variant.
Coding change: c.5170G>T on transcript NM_001330260.2 (MANE Select); coding-DNA position 5170, G replaced by T.
Protein change: p.Asp1724Tyr; replaces aspartic acid 1724 with tyrosine.
Molecular consequence: missense variant.
Genome position (GRCh38, 1-based): chr12:51,806,656, G>T. VCF-style: chr12-51806656-G-T. GRCh37 (hg19) VCF-style: chr12-52200440-G-T.
Other names: c.5047G>T, p.Asp1683Tyr (NM_001177984.3, NM_001369788.1); c.5170G>T, p.Asp1724Tyr (NM_014191.4); short protein forms D1724Y, D1683Y.
Identifiers: ClinVar variation 453056 (VCV000453056.2), dbSNP rs1176149836, ClinGen allele CA384884172.

ClinVar aggregate classification (germline): Uncertain significance (1 of 4 stars; one submission).

Submission:

GeneDx
Classification: Uncertain significance. Last evaluated: 2018-10-25. Review status: criteria provided, single submitter. Criteria: GeneDx Variant Classification (06012015). Collection method: clinical testing. Allele origin: germline. Affected: yes.
Comment: A variant of uncertain significance has been identified in the SCN8A gene. The D1724Y variant has not been published as a pathogenic variant, nor has it been reported as a benign variant to our knowledge. The D1724Y variant is not observed in large population cohorts (Lek et al., 2016). The D1724Y variant is a non-conservative amino acid substitution, which is likely to impact secondaryprotein structure as these residues differ in polarity, charge, size and/or other properties. In silico analysis predicts this variant is probably damaging to the protein structure/function. However, thissubstitution occurs at a position that is not conserved and is predicted to be within the extracellular loop between the S5 and S6 transmembrane segments of the fourth homologous domain. Therefore,based on the currently available information, it is unclear whether this variant is a pathogenic variant or a rare benign variant.